The following is an entry in ClinVar:

ClinVar aggregate classification (germline): Uncertain significance. Review status: criteria provided, multiple submitters, no conflicts (2 of 4 stars). 3 submissions from 3 submitters: Uncertain significance (3). Last evaluated 2024-03-06.

Conditions:
Familial adenomatous polyposis 1 (FAP1). Also called: POLYPOSIS, ADENOMATOUS INTESTINAL; FAMILIAL ADENOMATOUS POLYPOSIS 1, ATTENUATED. Identifiers: MedGen C2713442, MONDO:0021056, OMIM 175100. Disease mechanism: loss of function.
Hereditary cancer-predisposing syndrome. Also called: Hereditary Cancer Syndrome; Neoplastic Syndromes, Hereditary; Tumor predisposition; Hereditary neoplastic syndrome. Identifiers: Orphanet 140162, MedGen C0027672, MeSH D009386, MONDO:0015356.

Submissions (3):

Color Diagnostics, LLC DBA Color Health
Classification: Uncertain significance for Hereditary cancer-predisposing syndrome. Last evaluated: 2024-03-06. Review status: criteria provided, single submitter. Criteria: ACMG Guidelines, 2015. Collection method: clinical testing. Allele origin: germline.
Comment: This missense variant replaces threonine with isoleucine at codon 621 of the APC protein. Computational prediction is inconclusive regarding the impact of this variant on protein structure and function (internally defined REVEL score threshold 0.5 < inconclusive < 0.7, PMID: 27666373). To our knowledge, functional studies have not been reported for this variant. This variant has not been reported in individuals affected with hereditary cancer in the literature. This variant has not been identified in the general population by the Genome Aggregation Database (gnomAD). The available evidence is insufficient to determine the role of this variant in disease conclusively. Therefore, this variant is classified as a Variant of Uncertain Significance.

Labcorp Genetics (formerly Invitae), Labcorp
Classification: Uncertain significance for Familial adenomatous polyposis 1. Last evaluated: 2022-01-28. Review status: criteria provided, single submitter. Criteria: Invitae Variant Classification Sherloc (09022015). Collection method: clinical testing. Allele origin: germline.
Comment: This variant has not been reported in the literature in individuals affected with APC-related conditions. In summary, the available evidence is currently insufficient to determine the role of this variant in disease. Therefore, it has been classified as a Variant of Uncertain Significance. Algorithms developed to predict the effect of missense changes on protein structure and function are either unavailable or do not agree on the potential impact of this missense change (SIFT: "Tolerated"; PolyPhen-2: "Possibly Damaging"; Align-GVGD: "Class C0"). ClinVar contains an entry for this variant (Variation ID: 489418). This variant is not present in population databases (gnomAD no frequency). This sequence change replaces threonine, which is neutral and polar, with isoleucine, which is neutral and non-polar, at codon 621 of the APC protein (p.Thr621Ile).

Ambry Genetics
Classification: Uncertain significance for Hereditary cancer-predisposing syndrome. Last evaluated: 2018-11-06. Review status: criteria provided, single submitter. Criteria: Ambry Variant Classification Scheme 2023. Collection method: clinical testing. Allele origin: germline.
Comment: The p.T621I variant (also known as c.1862C>T), located in coding exon 14 of the APC gene, results from a C to T substitution at nucleotide position 1862. The threonine at codon 621 is replaced by isoleucine, an amino acid with similar properties. This amino acid position is highly conserved in available vertebrate species. In addition, in silico predictors for this gene do not accurately predict pathogenicity. Since supporting evidence is limited at this time, the clinical significance of this alteration remains unclear.

NM_000038.6(APC):c.1862C>T (p.Thr621Ile)

Gene: APC (APC regulator of Wnt signaling pathway; plus strand). Cytogenetic location: 5q22.2.
Variant type: single nucleotide variant.
Coding change: c.1862C>T on transcript NM_000038.6 (MANE Select); coding-DNA position 1862, C replaced by T.
Protein change: p.Thr621Ile; replaces threonine 621 with isoleucine.
Molecular consequence: missense variant.
Genome position (GRCh38, 1-based): chr5:112,835,069, C>T. VCF-style: chr5-112835069-C-T. GRCh37 (hg19) VCF-style: chr5-112170766-C-T.
Other names: c.1862C>T, p.Thr621Ile (NM_001127510.3, NM_001354895.2); c.1808C>T, p.Thr603Ile (NM_001127511.3); c.1916C>T, p.Thr639Ile (NM_001354896.2); c.1892C>T, p.Thr631Ile (NM_001354897.2); c.1787C>T, p.Thr596Ile (NM_001354898.2); c.1778C>T, p.Thr593Ile (NM_001354899.2); c.1739C>T, p.Thr580Ile (NM_001354900.2); c.1685C>T, p.Thr562Ile (NM_001354901.2); and 5 more; short protein forms T603I, T621I, T562I, T580I, T596I, T461I, T530I, T520I.
Identifiers: ClinVar variation 489418 (VCV000489418.21), dbSNP rs1554083178, ClinGen allele CA16025395.